The following is an entry in ClinVar:

NM_000228.3(LAMB3):c.939C>A (p.Cys313Ter)

Gene: LAMB3 (laminin subunit beta 3; minus strand). Cytogenetic location: 1q32.2.
Variant type: single nucleotide variant.
Coding change: c.939C>A on transcript NM_000228.3 (MANE Select); coding-DNA position 939, C replaced by A.
Protein change: p.Cys313Ter; replaces cysteine 313 with a stop codon.
Molecular consequence: nonsense.
Genome position (GRCh38, 1-based): chr1:209,630,619, G>T on the plus strand (C>A on the coding strand, the complement: LAMB3 is on the minus strand). VCF-style: chr1-209630619-G-T. GRCh37 (hg19) VCF-style: chr1-209803964-G-T.
Other names: c.939C>A, p.Cys313Ter (NM_001017402.2, NM_001127641.1); short protein forms C313*.
Identifiers: ClinVar variation 2202928 (VCV002202928.4), dbSNP rs773700438, ClinGen allele CA344593238.

ClinVar aggregate classification (germline): Pathogenic (1 of 4 stars; one submission).

Allele frequency attached by ClinVar (database versions not stated): TOPMed below 0.00001.
gnomAD v4.1: 8 of 1,614,152 alleles (0.0005%); highest among the groups gnomAD compares: Admixed American, 0.0017%; no homozygotes.

Submission:

Labcorp Genetics (formerly Invitae), Labcorp
Classification: Pathogenic. Last evaluated: 2022-06-27. Review status: criteria provided, single submitter. Criteria: Invitae Variant Classification Sherloc (09022015). Collection method: clinical testing. Allele origin: germline.
Comment: This sequence change creates a premature translational stop signal (p.Cys313*) in the LAMB3 gene. It is expected to result in an absent or disrupted protein product. Loss-of-function variants in LAMB3 are known to be pathogenic (PMID: 11023379, 16473856). This variant is not present in population databases (gnomAD no frequency). This premature translational stop signal has been observed in individual(s) with junctional epidermolysis bullosa (PMID: 28830826). For these reasons, this variant has been classified as Pathogenic.

Literature cited by the submitters: PubMed 11023379; PubMed 16473856; PubMed 28830826.